The following is an entry in ClinVar:

NM_173483.4(CYP4F22):c.424G>T (p.Asp142Tyr)

Gene: CYP4F22 (cytochrome P450 family 4 subfamily F member 22; plus strand). Cytogenetic location: 19p13.12.
Variant type: single nucleotide variant.
Coding change: c.424G>T on transcript NM_173483.4 (MANE Select); coding-DNA position 424, G replaced by T.
Protein change: p.Asp142Tyr; replaces aspartic acid 142 with tyrosine.
Molecular consequence: missense variant.
Genome position (GRCh38, 1-based): chr19:15,537,537, G>T. VCF-style: chr19-15537537-G-T. GRCh37 (hg19) VCF-style: chr19-15648348-G-T.
Other names: short protein forms D142Y.
Identifiers: ClinVar variation 3712938 (VCV003712938.2).

ClinVar aggregate classification (germline): Uncertain significance (1 of 4 stars; one submission).

gnomAD v4.1: 4 of 1,614,150 alleles (0.00025%); highest among the groups gnomAD compares: South Asian, 0.0044%; no homozygotes.

Submission:

Labcorp Genetics (formerly Invitae), Labcorp
Classification: Uncertain significance. Last evaluated: 2024-10-26. Review status: criteria provided, single submitter. Criteria: Invitae Variant Classification Sherloc (09022015). Collection method: clinical testing. Allele origin: germline.
Comment: This sequence change replaces aspartic acid, which is acidic and polar, with tyrosine, which is neutral and polar, at codon 142 of the CYP4F22 protein (p.Asp142Tyr). This variant is not present in population databases (gnomAD no frequency). This variant has not been reported in the literature in individuals affected with CYP4F22-related conditions. Invitae Evidence Modeling of protein sequence and biophysical properties (such as structural, functional, and spatial information, amino acid conservation, physicochemical variation, residue mobility, and thermodynamic stability) has been performed for this missense variant. However, the output from this modeling did not meet the statistical confidence thresholds required to predict the impact of this variant on CYP4F22 protein function. Algorithms developed to predict the effect of sequence changes on RNA splicing suggest that this variant may disrupt the consensus splice site. In summary, the available evidence is currently insufficient to determine the role of this variant in disease. Therefore, it has been classified as a Variant of Uncertain Significance.